The following is an entry in ClinVar:

ClinVar aggregate classification (germline): Uncertain significance. Review status: criteria provided, single submitter (1 of 4 stars). 2 submissions from 2 submitters: Uncertain significance (1). 1 of the submissions does not count toward it. Last evaluated 2024-10-30.

Conditions:
Deficiency of aromatic-L-amino-acid decarboxylase. Also called: Aromatic L-Amino Acid Decarboxylase Deficiency; Aromatic amino acid decarboxylase deficiency; AADC DEFICIENCY; DDC DEFICIENCY; DOPA DECARBOXYLASE DEFICIENCY. Identifiers: Orphanet 35708, MedGen C1291564, MONDO:0012084, OMIM 608643.

Submissions (2):

Labcorp Genetics (formerly Invitae), Labcorp
Classification: Uncertain significance for Deficiency of aromatic-L-amino-acid decarboxylase. Last evaluated: 2024-10-30. Review status: criteria provided, single submitter. Criteria: Invitae Variant Classification Sherloc (09022015). Collection method: clinical testing. Allele origin: germline.
Comment: This sequence change replaces proline, which is neutral and non-polar, with alanine, which is neutral and non-polar, at codon 47 of the DDC protein (p.Pro47Ala). This variant is not present in population databases (gnomAD no frequency). This missense change has been observed in individual(s) with aromatic L-amino acid decarboxylase deficiency (PMID: 32369189). ClinVar contains an entry for this variant (Variation ID: 3255513). Invitae Evidence Modeling of protein sequence and biophysical properties (such as structural, functional, and spatial information, amino acid conservation, physicochemical variation, residue mobility, and thermodynamic stability) indicates that this missense variant is expected to disrupt DDC protein function with a positive predictive value of 80%. This variant disrupts the p.Pro47 amino acid residue in DDC. Other variant(s) that disrupt this residue have been determined to be pathogenic (PMID: 15079002, 24865461, 33996177). This suggests that this residue is clinically significant, and that variants that disrupt this residue are likely to be disease-causing. In summary, the available evidence is currently insufficient to determine the role of this variant in disease. Therefore, it has been classified as a Variant of Uncertain Significance.

Department of Medical Genetics, Institute of Mother and Child, Institute of Mother and Child
Classification: Likely pathogenic for Deficiency of aromatic-L-amino-acid decarboxylase. Last evaluated: 2023-04-01. Review status: no assertion criteria provided. Collection method: clinical testing. Allele origin: germline. Affected: yes. Observed: 1 variant allele. Not counted in ClinVar's aggregate classification.
Comment: The c.139C>G (p.Pro47Ala) variant in DDC was scored as likely pathogenic using the American College of Medical Genetics and Genomics (ACMG)/Association for Molecular Pathology (AMP)/Association for Clinical Genomic Science (ACGS) recommendations as described previously by Himmelreich N et al, Mol.Genet.Metab. 2022. The variant was detected in a compound heterozygous state together with c.1339C>T (p.Arg447Cys) variant in DDC gene in a patient with clinical diagnosis of AADC deficiency (PMID: 37348148).

Literature cited by the submitters: PubMed 32369189 (cited by Labcorp Genetics (formerly Invitae), Labcorp); PubMed 15079002 (cited by Labcorp Genetics (formerly Invitae), Labcorp); PubMed 24865461 (cited by Labcorp Genetics (formerly Invitae), Labcorp); PubMed 33996177 (cited by Labcorp Genetics (formerly Invitae), Labcorp); PubMed 37348148 (cited by Department of Medical Genetics, Institute of Mother and Child, Institute of Mother and Child).

NM_001082971.2(DDC):c.139C>G (p.Pro47Ala)

Gene: DDC (dopa decarboxylase; minus strand). Cytogenetic location: 7p12.1.
Variant type: single nucleotide variant.
Coding change: c.139C>G on transcript NM_001082971.2 (MANE Select); coding-DNA position 139, C replaced by G.
Protein change: p.Pro47Ala; replaces proline 47 with alanine.
Molecular consequence: missense variant.
Genome position (GRCh38, 1-based): chr7:50,543,947, G>C on the plus strand (C>G on the coding strand, the complement: DDC is on the minus strand). VCF-style: chr7-50543947-G-C. GRCh37 (hg19) VCF-style: chr7-50611645-G-C.
Other names: c.139C>G, p.Pro47Ala (NM_000790.4, NM_001242886.2, NM_001242887.2 and 3 more transcripts); short protein forms P47A.
Identifiers: ClinVar variation 3255513 (VCV003255513.4), dbSNP rs2535520536.